The following is an entry in ClinVar:

ClinVar aggregate classification (germline): Uncertain significance (1 of 4 stars; one submission).

Conditions:
Marshall-Smith syndrome (MRSHSS). Identifiers: Orphanet 561, MedGen C0265211, MONDO:0011244, OMIM 602535.

Allele frequency attached by ClinVar (database versions not stated): gnomAD exomes below 0.00001.
gnomAD v4.1: 1 of 1,613,942 alleles (0.000062%); highest among the groups gnomAD compares: Non-Finnish European, 0.000085%; no homozygotes.

Submission:

Centre for Mendelian Genomics, University Medical Centre Ljubljana
Classification: Uncertain significance for Marshall-Smith syndrome. Last evaluated: 2016-01-01. Review status: criteria provided, single submitter. Criteria: ACMG Guidelines, 2015. Collection method: clinical testing. Allele origin: unknown. Affected: yes.
Comment: This variant was classified as: Uncertain significance. The following ACMG criteria were applied in classifying this variant: PM2,PP3,PP4.

NM_001365902.3(NFIX):c.1139C>T (p.Ser380Leu)

Gene: NFIX (nuclear factor I X; plus strand). Cytogenetic location: 19p13.13.
Variant type: single nucleotide variant.
Coding change: c.1139C>T on transcript NM_001365902.3 (MANE Select); coding-DNA position 1139, C replaced by T.
Protein change: p.Ser380Leu; replaces serine 380 with leucine.
Molecular consequence: missense variant.
Genome position (GRCh38, 1-based): chr19:13,081,740, C>T. VCF-style: chr19-13081740-C-T. GRCh37 (hg19) VCF-style: chr19-13192554-C-T.
Other names: c.1163C>T, p.Ser388Leu (NM_001271043.2); c.1115C>T, p.Ser372Leu (NM_001271044.3, NM_001378404.1); c.1016C>T, p.Ser339Leu (NM_001365982.2); c.998C>T, p.Ser333Leu (NM_001365983.2); c.1136C>T, p.Ser379Leu (NM_001365984.2, NM_001365985.2); c.1187C>T, p.Ser396Leu (NM_001378405.1); c.1139C>T, p.Ser380Leu (NM_002501.4); short protein forms S339L, S396L, S379L, S333L, S372L, S380L, S388L.
Identifiers: ClinVar variation 930371 (VCV000930371.3), dbSNP rs2017481607, ClinGen allele CA404304030.
Genomic context (GRCh38, chr19:13,081,740, plus strand): 5'-GGAGCCCCCGGGCCACAGCATCAGCCCTGCACTTCCCCTCCACGTCCATCATCCAGCAGT[C>T]GAGCCCGTATTTCACGCACCCGACCATCCGCTACCACCACCACCACGGGCAGGACTCACT-3'
Protein context (NP_001352831.1, residues 370-390): HFPSTSIIQQ[Ser380Leu]SPYFTHPTIR